The following is an entry in ClinVar:

ClinVar aggregate classification (germline): Conflicting classifications of pathogenicity. Review status: criteria provided, conflicting classifications (1 of 4 stars). 2 submissions from 2 submitters: Pathogenic (1); Uncertain significance (1). Last evaluated 2025-04-28.

Conditions:
Intrauterine growth retardation, metaphyseal dysplasia, adrenal hypoplasia congenita, genital anomalies, and immunodeficiency. Also called: IMAGEI SYNDROME. Identifiers: MedGen C5193036, MONDO:0032684, OMIM 618336.
Colorectal cancer, susceptibility to, 12 (CRCS12). Also called: COLORECTAL CANCER, SUSCEPTIBILITY TO, ON CHROMOSOME 12q24. Identifiers: Orphanet 220460, MedGen C3554460, MONDO:0014038, OMIM 615083.
Facial dysmorphism-immunodeficiency-livedo-short stature syndrome. Also called: FILS syndrome; Facial dysmorphism, immunodeficiency, livedo, and short stature. Identifiers: Orphanet 352712, MedGen C3554576, MONDO:0014058, OMIM 615139.

Submissions (2):

Labcorp Genetics (formerly Invitae), Labcorp
Classification: Pathogenic. Last evaluated: 2025-04-28. Review status: criteria provided, single submitter. Criteria: Invitae Variant Classification Sherloc (09022015). Collection method: clinical testing. Allele origin: germline.
Comment: This sequence change creates a premature translational stop signal (p.Tyr100Ilefs*49) in the POLE gene. It is expected to result in an absent or disrupted protein product. Loss-of-function variants in POLE are known to be pathogenic (PMID: 23230001, 25948378, 30503519). This variant is not present in population databases (gnomAD no frequency). This variant has not been reported in the literature in individuals affected with POLE-related conditions. ClinVar contains an entry for this variant (Variation ID: 949273). For these reasons, this variant has been classified as Pathogenic.

Fulgent Genetics
Classification: Uncertain significance for Colorectal cancer, susceptibility to, 12; Facial dysmorphism-immunodeficiency-livedo-short stature syndrome; Intrauterine growth retardation, metaphyseal dysplasia, adrenal hypoplasia congenita, genital anomalies, and immunodeficiency. Last evaluated: 2024-05-15. Review status: criteria provided, single submitter. Criteria: ACMG Guidelines, 2015. Collection method: clinical testing. Allele origin: germline.

Literature cited by the submitters: PubMed 23230001 (cited by Labcorp Genetics (formerly Invitae), Labcorp); PubMed 25948378 (cited by Labcorp Genetics (formerly Invitae), Labcorp); PubMed 30503519 (cited by Labcorp Genetics (formerly Invitae), Labcorp).

NM_006231.4(POLE):c.297del (p.Tyr100fs)

Gene: POLE (DNA polymerase epsilon, catalytic subunit; minus strand). Cytogenetic location: 12q24.33.
Variant type: Deletion.
Coding change: c.297del on transcript NM_006231.4 (MANE Select); coding-DNA position 297, one base deleted (C; older notation c.297delC).
Protein change: p.Tyr100fs; shifts the reading frame from tyrosine 100.
Molecular consequence: frameshift variant.
Genome position (GRCh38, 1-based): chr12:132,680,211, G deleted on the plus strand (C on the coding strand, the reverse complement: POLE is on the minus strand); the first of 3 consecutive G bases (chr12:132,680,211-132,680,213); deleting any one gives the same sequence. VCF-style (leftmost placement, unchanged base first): chr12-132680210-AG-A. GRCh37 (hg19) VCF-style: chr12-133256796-AG-A.
Other names: short protein forms Y100fs.
Identifiers: ClinVar variation 949273 (VCV000949273.10), dbSNP rs2043138492, ClinGen allele CA1139662990.